The following is an entry in ClinVar:

NM_018418.5(SPATA7):c.34G>A (p.Val12Ile)

Gene: SPATA7 (spermatogenesis associated 7; plus strand). Cytogenetic location: 14q31.3.
Variant type: single nucleotide variant.
Coding change: c.34G>A on transcript NM_018418.5 (MANE Select); coding-DNA position 34, G replaced by A.
Protein change: p.Val12Ile; replaces valine 12 with isoleucine.
Molecular consequence: missense variant.
Genome position (GRCh38, 1-based): chr14:88,391,395, G>A. VCF-style: chr14-88391395-G-A. GRCh37 (hg19) VCF-style: chr14-88857739-G-A.
Other names: c.34G>A, p.Val12Ile (NM_001040428.4); short protein forms V12I.
Identifiers: ClinVar variation 1425565 (VCV001425565.7), dbSNP rs2139866031, ClinGen allele CA390544923.

ClinVar aggregate classification (germline): Uncertain significance. Review status: criteria provided, multiple submitters, no conflicts (2 of 4 stars). 2 submissions from 2 submitters: Uncertain significance (2). Last evaluated 2024-01-08.

Conditions:
Leber congenital amaurosis 3 (LCA3). Also called: SPATA7-Related Retinitis Pigmentosa. Identifiers: MedGen C1858677, MONDO:0011415, OMIM 604232.

gnomAD v4.1: 1 of 1,613,058 alleles (0.000062%); highest among the groups gnomAD compares: Non-Finnish European, 0.000085%; no homozygotes.

Submissions (2):

Blueprint Genetics
Classification: Uncertain significance. Last evaluated: 2024-01-08. Review status: criteria provided, single submitter. Criteria: ACMG Guidelines, 2015. Collection method: clinical testing. Allele origin: germline.

Labcorp Genetics (formerly Invitae), Labcorp
Classification: Uncertain significance for Leber congenital amaurosis 3. Last evaluated: 2022-06-13. Review status: criteria provided, single submitter. Criteria: Invitae Variant Classification Sherloc (09022015). Collection method: clinical testing. Allele origin: germline.
Comment: Algorithms developed to predict the effect of missense changes on protein structure and function (SIFT, PolyPhen-2, Align-GVGD) all suggest that this variant is likely to be tolerated. This variant has not been reported in the literature in individuals affected with SPATA7-related conditions. This variant is not present in population databases (gnomAD no frequency). This sequence change replaces valine, which is neutral and non-polar, with isoleucine, which is neutral and non-polar, at codon 12 of the SPATA7 protein (p.Val12Ile). In summary, the available evidence is currently insufficient to determine the role of this variant in disease. Therefore, it has been classified as a Variant of Uncertain Significance.